The following is an entry in ClinVar:

ClinVar aggregate classification (germline): Benign/Likely benign. Review status: criteria provided, multiple submitters, no conflicts (2 of 4 stars). 5 submissions from 5 submitters: Benign (1); Likely benign (4). Last evaluated 2024-07-24.

Conditions:
Hereditary cancer-predisposing syndrome. Also called: Tumor predisposition; Hereditary Cancer Syndrome; Neoplastic Syndromes, Hereditary; Hereditary neoplastic syndrome. Identifiers: Orphanet 140162, MedGen C0027672, MeSH D009386, MONDO:0015356.
Familial cancer of breast. Also called: BREAST CANCER, FAMILIAL; Hereditary breast cancer; hereditary breast carcinoma. Identifiers: Orphanet 227535, MedGen C0346153, MONDO:0016419, OMIM 114480. Disease mechanism: loss of function.

Allele frequency attached by ClinVar (database versions not stated): gnomAD exomes below 0.00001.
gnomAD v4.1: 3 of 1,614,118 alleles (0.00019%); highest among the groups gnomAD compares: Non-Finnish European, 0.00025%; no homozygotes.

Submissions (5):

Myriad Genetics, Inc.
Classification: Benign for Familial cancer of breast. Last evaluated: 2024-07-24. Review status: criteria provided, single submitter. Criteria: Myriad Autosomal Dominant, Autosomal Recessive and X-Linked Classification Criteria (2023). Collection method: clinical testing. Allele origin: unknown.
Comment: This variant is considered benign. This variant is a silent/synonymous amino acid change and it is not expected to impact splicing.

Labcorp Genetics (formerly Invitae), Labcorp
Classification: Likely benign for Familial cancer of breast. Last evaluated: 2024-04-29. Review status: criteria provided, single submitter. Criteria: Invitae Variant Classification Sherloc (09022015). Collection method: clinical testing. Allele origin: germline.

Color Diagnostics, LLC DBA Color Health
Classification: Likely benign for Hereditary cancer-predisposing syndrome. Last evaluated: 2022-04-18. Review status: criteria provided, single submitter. Criteria: ACMG Guidelines, 2015. Collection method: clinical testing. Allele origin: germline.

Sema4
Classification: Likely benign for Hereditary cancer-predisposing syndrome. Last evaluated: 2021-09-15. Review status: criteria provided, single submitter. Criteria: Sema4 Curation Guidelines. Collection method: curation. Allele origin: germline.

Ambry Genetics
Classification: Likely benign for Hereditary cancer-predisposing syndrome. Last evaluated: 2019-01-03. Review status: criteria provided, single submitter. Criteria: Ambry Variant Classification Scheme 2023. Collection method: clinical testing. Allele origin: germline.

NM_000465.4(BARD1):c.1035A>G (p.Gly345=)

Gene: BARD1 (BRCA1 associated RING domain 1; minus strand). Cytogenetic location: 2q35.
Variant type: single nucleotide variant.
Coding change: c.1035A>G on transcript NM_000465.4 (MANE Select); coding-DNA position 1035, A replaced by G.
Protein change: p.Gly345=; no amino-acid change (glycine 345 retained).
Molecular consequence: synonymous variant. On other transcripts: non-coding transcript variant (2), intron variant (3).
Genome position (GRCh38, 1-based): chr2:214,780,839, T>C on the plus strand (A>G on the coding strand, the complement: BARD1 is on the minus strand). VCF-style: chr2-214780839-T-C. GRCh37 (hg19) VCF-style: chr2-215645563-T-C.
Other names: c.978A>G, p.Gly326= (NM_001282543.2); c.159-28284A>G (NM_001282548.2); c.215+16222A>G (NM_001282545.2); c.364+11458A>G (NM_001282549.2).
Identifiers: ClinVar variation 822053 (VCV000822053.17), dbSNP rs1553622290, ClinGen allele CA431390632.